The following is an entry in ClinVar:

ClinVar aggregate classification (germline): Uncertain significance (1 of 4 stars; one submission).

Conditions:
Parkinson disease 17 (PARK17). Also called: VPS35-Related Parkinson Disease. Identifiers: Orphanet 411602, MedGen C3280133, MONDO:0013625, OMIM 614203.

Submission:

Labcorp Genetics (formerly Invitae), Labcorp
Classification: Uncertain significance for Parkinson disease 17. Last evaluated: 2020-06-21. Review status: criteria provided, single submitter. Criteria: Invitae Variant Classification Sherloc (09022015). Collection method: clinical testing. Allele origin: germline.
Comment: This sequence change creates a premature translational stop signal (p.Gln5*) in the VPS35 gene. It is expected to result in an absent or disrupted protein product. This variant is not present in population databases (ExAC no frequency). This variant has not been reported in the literature in individuals with VPS35-related conditions. The current clinical and genetic evidence is not sufficient to establish whether loss-of-function variants in VPS35 cause disease. In summary, the available evidence is currently insufficient to determine the role of this variant in disease. Therefore, it has been classified as a Variant of Uncertain Significance.

NM_018206.6(VPS35):c.13C>T (p.Gln5Ter)

Gene: VPS35 (VPS35 retromer complex component; minus strand). Cytogenetic location: 16q11.2.
Variant type: single nucleotide variant.
Coding change: c.13C>T on transcript NM_018206.6 (MANE Select); coding-DNA position 13, C replaced by T.
Protein change: p.Gln5Ter; replaces glutamine 5 with a stop codon.
Molecular consequence: nonsense.
Genome position (GRCh38, 1-based): chr16:46,683,597, G>A on the plus strand (C>T on the coding strand, the complement: VPS35 is on the minus strand). VCF-style: chr16-46683597-G-A. GRCh37 (hg19) VCF-style: chr16-46717509-G-A.
Other names: short protein forms Q5*.
Identifiers: ClinVar variation 1050911 (VCV001050911.7), dbSNP rs2143009092, ClinGen allele CA395816150.